The following is an entry in ClinVar:

ClinVar aggregate classification (germline): Uncertain significance (1 of 4 stars; one submission).

Conditions:
Nemaline myopathy. Also called: Myopathies, Nemaline. Identifiers: Orphanet 607, MedGen C0206157, MONDO:0018958.

gnomAD v4.1: 4 of 1,597,682 alleles (0.00025%); highest among the groups gnomAD compares: South Asian, 0.0011%; no homozygotes.

Submission:

Broad Center for Mendelian Genomics, Broad Institute of MIT and Harvard
Classification: Uncertain significance for Nemaline myopathy. Last evaluated: 2025-03-17. Review status: criteria provided, single submitter. Criteria: ACMG Guidelines, 2015. Collection method: curation. Allele origin: germline. Inheritance: Autosomal recessive inheritance.
Comment: The p.Tyr3452His variant in NEB has been reported in 2 individuals with nemaline myopathy (PMID: 32675003,16917880), and has been identified in 0.001% (1/88584) of South Asian chromosomes by the Genome Aggregation Database (gnomAD; dbSNP ID: rs1323192442). Although this variant has been seen in the general population in a heterozygous state, its frequency is low enough to be consistent with a recessive carrier frequency. Of the 2 affected individuals, both were compound heterozygotes that carried a likely pathogenic variant in trans or with unknown phase, which increases the likelihood that the p.Tyr3452His variant is pathogenic (PMID: 32675003, 16917880). Computational prediction tools and conservation analyses suggest that this variant may impact the protein, though this information is not predictive enough to determine pathogenicity. In summary, the clinical significance of the p.Tyr3452His variant is uncertain. ACMG/AMP Criteria applied: PP3_moderate, PM3, PM2_supporting (Richards 2015).

NM_001164508.2(NEB):c.10354T>C (p.Tyr3452His)

Gene: NEB (nebulin; minus strand). Cytogenetic location: 2q23.3.
Variant type: single nucleotide variant.
Coding change: c.10354T>C on transcript NM_001164508.2 (MANE Select); coding-DNA position 10354, T replaced by C.
Protein change: p.Tyr3452His; replaces tyrosine 3452 with histidine.
Molecular consequence: missense variant.
Genome position (GRCh38, 1-based): chr2:151,625,632, A>G on the plus strand (T>C on the coding strand, the complement: NEB is on the minus strand). VCF-style: chr2-151625632-A-G. GRCh37 (hg19) VCF-style: chr2-152482146-A-G.
Other names: NM_001164508.2:c.10354T>C; c.10354T>C, p.Tyr3452His (NM_001164507.2, NM_001271208.2); c.9625T>C, p.Tyr3209His (NM_004543.5); short protein forms Y3209H, Y3452H.
Identifiers: ClinVar variation 3776980 (VCV003776980.1).